The following is an entry in ClinVar:

ClinVar aggregate classification (germline): Conflicting classifications of pathogenicity. Review status: criteria provided, conflicting classifications (1 of 4 stars). 8 submissions from 8 submitters: Uncertain significance (3); Likely benign (5). Last evaluated 2026-01-28.

Conditions:
RYR1-related disorder. Also called: RYR1-related condition; RYR1-related disorders. Identifiers: MedGen CN239331.
Inborn genetic diseases. Identifiers: MedGen C0950123, MeSH D030342.
Malignant hyperthermia, susceptibility to, 1 (MHS1). Also called: RYR1-Related Malignant Hyperthermia Susceptibility; Anesthesia related hyperthermia; Malignant hyperpyrexia; Fulminating hyperpyrexia; Pharmacogenic myopathy; Malignant hyperthermia suceptibility 1. Identifiers: Orphanet 423, MedGen C2930980, MONDO:0007783, OMIM 145600.

Allele frequency attached by ClinVar (database versions not stated): ExAC 0.00020; gnomAD 0.00051; ESP Exome Variant Server 0.00054; TOPMed 0.00061; 1000 Genomes Project 0.00120; 1000 Genomes Project 30x 0.00125.

Submissions (8):

Labcorp Genetics (formerly Invitae), Labcorp
Classification: Likely benign for RYR1-related disorder. Last evaluated: 2026-01-28. Review status: criteria provided, single submitter. Criteria: Invitae Variant Classification Sherloc (09022015). Collection method: clinical testing. Allele origin: germline.

Ambry Genetics
Classification: Likely benign for Inborn genetic diseases. Last evaluated: 2024-06-26. Review status: criteria provided, single submitter. Criteria: Ambry Variant Classification Scheme 2023. Collection method: clinical testing. Allele origin: germline.

GeneDx
Classification: Uncertain significance. Last evaluated: 2024-05-16. Review status: criteria provided, single submitter. Criteria: GeneDx Variant Classification Process June 2021. Collection method: clinical testing. Allele origin: germline. Affected: yes.
Comment: In silico analysis indicates that this missense variant does not alter protein structure/function; Has not been previously published as pathogenic or benign to our knowledge

Blueprint Genetics
Classification: Likely benign. Last evaluated: 2023-05-31. Review status: criteria provided, single submitter. Criteria: ACMG Guidelines, 2015. Collection method: clinical testing. Allele origin: germline.

Mayo Clinic Laboratories, Mayo Clinic
Classification: Uncertain significance. Last evaluated: 2023-03-24. Review status: criteria provided, single submitter. Criteria: ACMG Guidelines, 2015. Collection method: clinical testing. Allele origin: germline. Observed: 1 variant allele.
Comment: BP4

Color Diagnostics, LLC DBA Color Health
Classification: Likely benign for Malignant hyperthermia, susceptibility to, 1. Last evaluated: 2022-08-17. Review status: criteria provided, single submitter. Criteria: ACMG Guidelines, 2015. Collection method: clinical testing. Allele origin: germline.

Revvity Omics, Revvity
Classification: Uncertain significance. Last evaluated: 2019-05-28. Review status: criteria provided, single submitter. Criteria: ACMG Guidelines, 2015. Collection method: clinical testing. Allele origin: germline.

PreventionGenetics, part of Exact Sciences
Classification: Likely benign. Review status: criteria provided, single submitter. Criteria: ACMG Guidelines, 2015. Collection method: clinical testing. Allele origin: germline.

NM_000540.3(RYR1):c.3505A>C (p.Met1169Leu)

Gene: RYR1 (ryanodine receptor 1; plus strand). Cytogenetic location: 19q13.2.
Variant type: single nucleotide variant.
Coding change: c.3505A>C on transcript NM_000540.3 (MANE Select); coding-DNA position 3505, A replaced by C.
Protein change: p.Met1169Leu; replaces methionine 1169 with leucine.
Molecular consequence: missense variant.
Genome position (GRCh38, 1-based): chr19:38,469,089, A>C. VCF-style: chr19-38469089-A-C. GRCh37 (hg19) VCF-style: chr19-38959729-A-C.
Other names: p.Met1169Leu; c.3505A>C, p.Met1169Leu (NM_001042723.2); short protein forms M1169L.
Identifiers: ClinVar variation 256494 (VCV000256494.25), dbSNP rs139069946, ClinGen allele CA064950.